The following is an entry in ClinVar:

ClinVar aggregate classification (germline): Likely benign (1 of 4 stars; one submission).

Submission:

Mayo Clinic Laboratories, Mayo Clinic
Classification: Likely benign. Last evaluated: 2025-05-23. Review status: criteria provided, single submitter. Criteria: ACMG Guidelines, 2015. Collection method: clinical testing. Allele origin: germline. Observed: 1 variant allele.
Comment: BP4, BP7

NM_001098816.3(TENM4):c.3561C>T (p.His1187=)

Gene: TENM4 (teneurin transmembrane protein 4; minus strand). Cytogenetic location: 11q14.1.
Variant type: single nucleotide variant.
Coding change: c.3561C>T on transcript NM_001098816.3 (MANE Select); coding-DNA position 3561, C replaced by T.
Protein change: p.His1187=; no amino-acid change (histidine 1187 retained).
Molecular consequence: synonymous variant.
Genome position (GRCh38, 1-based): chr11:78,722,907, G>A on the plus strand (C>T on the coding strand, the complement: TENM4 is on the minus strand). VCF-style: chr11-78722907-G-A. GRCh37 (hg19) VCF-style: chr11-78433952-G-A.
Other names: p.His1187=.
Identifiers: ClinVar variation 4683674 (VCV004683674.1).